The following is an entry in ClinVar:

NM_003098.3(SNTA1):c.219G>C (p.Gly73=)

Gene: SNTA1 (syntrophin alpha 1; minus strand). Cytogenetic location: 20q11.21.
Variant type: single nucleotide variant.
Coding change: c.219G>C on transcript NM_003098.3 (MANE Select); coding-DNA position 219, G replaced by C.
Protein change: p.Gly73=; no amino-acid change (glycine 73 retained).
Molecular consequence: synonymous variant.
Genome position (GRCh38, 1-based): chr20:33,443,402, C>G on the plus strand (G>C on the coding strand, the complement: SNTA1 is on the minus strand). VCF-style: chr20-33443402-C-G. GRCh37 (hg19) VCF-style: chr20-32031208-C-G.
Identifiers: ClinVar variation 506706 (VCV000506706.5), dbSNP rs764093818, ClinGen allele CA9817267.

ClinVar aggregate classification (germline): Likely benign. Review status: criteria provided, multiple submitters, no conflicts (2 of 4 stars). 3 submissions from 3 submitters: Likely benign (3). Last evaluated 2025-06-22.

Conditions:
Long QT syndrome (LQTS). Identifiers: MedGen C0023976, MeSH D008133, MONDO:0002442. Disease mechanism: loss of function. Inheritance: Various modes of inheritance.
Cardiovascular phenotype. Identifiers: MedGen CN230736.

Allele frequency attached by ClinVar (database versions not stated): gnomAD below 0.00001 and 0.00002; TOPMed below 0.00001; gnomAD exomes 0.00002 and 0.00020; ExAC 0.00065.
gnomAD v4.1: 31 of 1,350,532 alleles (0.0023%); highest among the groups gnomAD compares: Middle Eastern, 0.056%; 1 homozygote.

Submissions (3):

Labcorp Genetics (formerly Invitae), Labcorp
Classification: Likely benign for Long QT syndrome. Last evaluated: 2025-06-22. Review status: criteria provided, single submitter. Criteria: Invitae Variant Classification Sherloc (09022015). Collection method: clinical testing. Allele origin: germline.

Ambry Genetics
Classification: Likely benign for Cardiovascular phenotype. Last evaluated: 2018-09-23. Review status: criteria provided, single submitter. Criteria: Ambry Variant Classification Scheme 2023. Collection method: clinical testing. Allele origin: germline.

GeneDx
Classification: Likely benign. Last evaluated: 2017-03-29. Review status: criteria provided, single submitter. Criteria: GeneDx Variant Classification (06012015). Collection method: clinical testing. Allele origin: germline. Affected: yes.
Comment: This variant is considered likely benign or benign based on one or more of the following criteria: it is a conservative change, it occurs at a poorly conserved position in the protein, it is predicted to be benign by multiple in silico algorithms, and/or has population frequency not consistent with disease.